The following is an entry in ClinVar:

ClinVar aggregate classification (germline): Uncertain significance (1 of 4 stars; one submission).

gnomAD v4.1: 3 of 1,613,736 alleles (0.00019%); highest among the groups gnomAD compares: Non-Finnish European, 0.00025%; no homozygotes.

Submission:

Labcorp Genetics (formerly Invitae), Labcorp
Classification: Uncertain significance. Last evaluated: 2024-04-17. Review status: criteria provided, single submitter. Criteria: Invitae Variant Classification Sherloc (09022015). Collection method: clinical testing. Allele origin: germline.
Comment: This sequence change replaces glutamic acid, which is acidic and polar, with aspartic acid, which is acidic and polar, at codon 2332 of the FLNB protein (p.Glu2332Asp). This variant is present in population databases (rs759644617, gnomAD 0.0009%). This variant has not been reported in the literature in individuals affected with FLNB-related conditions. Advanced modeling of protein sequence and biophysical properties (such as structural, functional, and spatial information, amino acid conservation, physicochemical variation, residue mobility, and thermodynamic stability) performed at Invitae indicates that this missense variant is not expected to disrupt FLNB protein function with a negative predictive value of 95%. In summary, the available evidence is currently insufficient to determine the role of this variant in disease. Therefore, it has been classified as a Variant of Uncertain Significance.

NM_001457.4(FLNB):c.6996G>T (p.Glu2332Asp)

Gene: FLNB (filamin B; plus strand). Cytogenetic location: 3p14.3.
Variant type: single nucleotide variant.
Coding change: c.6996G>T on transcript NM_001457.4 (MANE Select); coding-DNA position 6996, G replaced by T.
Protein change: p.Glu2332Asp; replaces glutamic acid 2332 with aspartic acid.
Molecular consequence: missense variant.
Genome position (GRCh38, 1-based): chr3:58,159,661, G>T. VCF-style: chr3-58159661-G-T. GRCh37 (hg19) VCF-style: chr3-58145388-G-T.
Other names: c.7089G>T, p.Glu2363Asp (NM_001164317.2); c.6963G>T, p.Glu2321Asp (NM_001164318.2); c.6924G>T, p.Glu2308Asp (NM_001164319.2); short protein forms E2321D, E2332D, E2363D, E2308D.
Identifiers: ClinVar variation 3634865 (VCV003634865.2).